The following is an entry in ClinVar:

ClinVar aggregate classification (germline): Likely benign (1 of 4 stars; one submission).

Submission:

CeGaT Center for Human Genetics Tuebingen
Classification: Likely benign. Last evaluated: 2023-02-01. Review status: criteria provided, single submitter. Criteria: CeGaT Center For Human Genetics Tuebingen Variant Classification Criteria Version 2. Collection method: clinical testing. Allele origin: germline. Affected: yes. Observed: 1 variant allele.
Comment: POLR1A: PM2:Supporting, BP4, BP7

NM_015425.6(POLR1A):c.4413G>A (p.Glu1471=)

Gene: POLR1A (RNA polymerase I subunit A; minus strand). Cytogenetic location: 2p11.2.
Variant type: single nucleotide variant.
Coding change: c.4413G>A on transcript NM_015425.6 (MANE Select); coding-DNA position 4413, G replaced by A.
Protein change: p.Glu1471=; no amino-acid change (glutamic acid 1471 retained).
Molecular consequence: synonymous variant.
Genome position (GRCh38, 1-based): chr2:86,031,495, C>T on the plus strand (G>A on the coding strand, the complement: POLR1A is on the minus strand). VCF-style: chr2-86031495-C-T. GRCh37 (hg19) VCF-style: chr2-86258618-C-T.
Identifiers: ClinVar variation 2651097 (VCV002651097.24), dbSNP rs2466308368, ClinGen allele CA427442067.